The following is an entry in ClinVar:

ClinVar aggregate classification (germline): Uncertain significance (1 of 4 stars; one submission).

Allele frequency attached by ClinVar (database versions not stated): gnomAD exomes below 0.00001.
gnomAD v4.1: 20 of 1,614,130 alleles (0.0012%); highest among the groups gnomAD compares: Non-Finnish European, 0.0017%; no homozygotes.

Submission:

Labcorp Genetics (formerly Invitae), Labcorp
Classification: Uncertain significance. Last evaluated: 2021-12-02. Review status: criteria provided, single submitter. Criteria: Invitae Variant Classification Sherloc (09022015). Collection method: clinical testing. Allele origin: germline.
Comment: In summary, the available evidence is currently insufficient to determine the role of this variant in disease. Therefore, it has been classified as a Variant of Uncertain Significance. Advanced modeling of protein sequence and biophysical properties (such as structural, functional, and spatial information, amino acid conservation, physicochemical variation, residue mobility, and thermodynamic stability) performed at Invitae indicates that this missense variant is not expected to disrupt SPTBN2 protein function. This variant has not been reported in the literature in individuals affected with SPTBN2-related conditions. This variant is present in population databases (no rsID available, gnomAD 0.0009%). This sequence change replaces glycine, which is neutral and non-polar, with arginine, which is basic and polar, at codon 2154 of the SPTBN2 protein (p.Gly2154Arg).

NM_006946.4(SPTBN2):c.6460G>A (p.Gly2154Arg)

Gene: SPTBN2 (spectrin beta, non-erythrocytic 2; minus strand). Cytogenetic location: 11q13.2.
Variant type: single nucleotide variant.
Coding change: c.6460G>A on transcript NM_006946.4 (MANE Select); coding-DNA position 6460, G replaced by A.
Protein change: p.Gly2154Arg; replaces glycine 2154 with arginine.
Molecular consequence: missense variant.
Genome position (GRCh38, 1-based): chr11:66,687,909, C>T on the plus strand (G>A on the coding strand, the complement: SPTBN2 is on the minus strand). VCF-style: chr11-66687909-C-T. GRCh37 (hg19) VCF-style: chr11-66455380-C-T.
Other names: short protein forms G2154R.
Identifiers: ClinVar variation 1375074 (VCV001375074.6), dbSNP rs1309310010, ClinGen allele CA381458208.
Genomic context (GRCh38, chr11:66,687,909, plus strand): 5'-CACTTGCAGGGGAACTCACCGGCCCTTCGGGGAAGCTGCTGTGCTCAAGTCTCTGTTGTC[C>T]CAGCAGGGGCTGCAAGGACAAGAATCTGTAAAAGGATGTGCGGGGGTGGAGGGGCTACGA-3'
Protein context (NP_008877.2, residues 2144-2164): TDGEPSQPLL[Gly2154Arg]QQRLEHSSFP